The following is an entry in ClinVar:

NM_000443.4(ABCB4):c.3409C>T (p.Arg1137Trp)

Gene: ABCB4 (ATP binding cassette subfamily B member 4; minus strand). Cytogenetic location: 7q21.12.
Variant type: single nucleotide variant.
Coding change: c.3409C>T on transcript NM_000443.4 (MANE Select); coding-DNA position 3409, C replaced by T.
Protein change: p.Arg1137Trp; replaces arginine 1137 with tryptophan.
Molecular consequence: missense variant.
Genome position (GRCh38, 1-based): chr7:87,406,365, G>A on the plus strand (C>T on the coding strand, the complement: ABCB4 is on the minus strand). VCF-style: chr7-87406365-G-A. GRCh37 (hg19) VCF-style: chr7-87035681-G-A.
Other names: c.3430C>T, p.Arg1144Trp (NM_018849.3); c.3268C>T, p.Arg1090Trp (NM_018850.3); short protein forms R1090W, R1137W, R1144W.
Identifiers: ClinVar variation 909052 (VCV000909052.5), dbSNP rs747453583, ClinGen allele CA4326774.
Genomic context (GRCh38, chr7:87,406,365, plus strand): 5'-TGAAAGGATGTATGTTGGCAGCTTTGGCTGCACTCACAATTTCATCCTGTGATACAACCC[G>A]GCTGTTGTCTCCATAGGCAATATTCTCGGCAATGCTGCAGTCAAATAGGATAGGCTCCTG-3'
Protein context (NP_000434.1, residues 1127-1147): AENIAYGDNS[Arg1137Trp]VVSQDEIVSA

ClinVar aggregate classification (germline): Uncertain significance. Review status: criteria provided, multiple submitters, no conflicts (2 of 4 stars). 3 submissions from 2 submitters: Uncertain significance (3). Last evaluated 2025-07-11.

Conditions:
Cholestasis, intrahepatic, of pregnancy, 3. Identifiers: Orphanet 69665, MedGen C3554241, MONDO:0013995, OMIM 614972.
ABCB4-related disorder. Also called: ABCB4-related disorders; ABCB4-related condition.
Progressive familial intrahepatic cholestasis type 3. Also called: Low Gamma-GT Familial Intrahepatic Cholestasis; MDR3 DEFICIENCY. Identifiers: Orphanet 79305, MedGen C1865643, MONDO:0011214, OMIM 602347.

Allele frequency attached by ClinVar (database versions not stated): gnomAD 0.00001; gnomAD exomes 0.00001; ExAC 0.00002.
gnomAD v4.1: 10 of 1,613,848 alleles (0.00062%); highest among the groups gnomAD compares: East Asian, 0.0089%; no homozygotes.

Submissions (3):

PreventionGenetics, part of Exact Sciences
Classification: Uncertain significance for ABCB4-related condition. Last evaluated: 2025-07-11. Review status: criteria provided, single submitter. Criteria: ACMG Guidelines, 2015. Collection method: clinical testing. Allele origin: germline.
Comment: The ABCB4 c.3409C>T variant is predicted to result in the amino acid substitution p.Arg1137Trp. To our knowledge, this variant has not been reported in the literature. This variant is reported in 0.0046% of alleles in individuals of European (Finnish) descent in gnomAD. At this time, the clinical significance of this variant is uncertain due to the absence of conclusive functional and genetic evidence.

Illumina Laboratory Services, Illumina
Classification: Uncertain significance for Cholestasis, intrahepatic, of pregnancy, 3. Last evaluated: 2018-01-13. Review status: criteria provided, single submitter. Criteria: ICSL Variant Classification Criteria 13 December 2019. Collection method: clinical testing. Allele origin: germline.

Illumina Laboratory Services, Illumina
Classification: Uncertain significance for Progressive familial intrahepatic cholestasis type 3. Last evaluated: 2018-01-13. Review status: criteria provided, single submitter. Criteria: ICSL Variant Classification Criteria 13 December 2019. Collection method: clinical testing. Allele origin: germline.